The following is an entry in ClinVar:

NM_206933.4(USH2A):c.11026A>G (p.Thr3676Ala)

Gene: USH2A (usherin; minus strand). Cytogenetic location: 1q41.
Variant type: single nucleotide variant.
Coding change: c.11026A>G on transcript NM_206933.4 (MANE Select); coding-DNA position 11026, A replaced by G.
Protein change: p.Thr3676Ala; replaces threonine 3676 with alanine.
Molecular consequence: missense variant.
Genome position (GRCh38, 1-based): chr1:215,766,702, T>C on the plus strand (A>G on the coding strand, the complement: USH2A is on the minus strand). VCF-style: chr1-215766702-T-C. GRCh37 (hg19) VCF-style: chr1-215940044-T-C.
Other names: short protein forms T3676A.
Identifiers: ClinVar variation 2007425 (VCV002007425.2), dbSNP rs986508339, ClinGen allele CA37429056.

ClinVar aggregate classification (germline): Conflicting classifications of pathogenicity. Review status: criteria provided, conflicting classifications (1 of 4 stars). 2 submissions from 2 submitters: Likely pathogenic (1); Uncertain significance (1). Last evaluated 2022-06-04.

Conditions:
USH2A-related disorder. Also called: USH2A-related condition; USH2A-related disorders. Identifiers: MedGen CN239332.

Allele frequency attached by ClinVar (database versions not stated): gnomAD exomes 0.00001; TOPMed 0.00001.
gnomAD v4.1: 9 of 1,613,682 alleles (0.00056%); highest among the groups gnomAD compares: Non-Finnish European, 0.00076%; no homozygotes.

Submissions (2):

Labcorp Genetics (formerly Invitae), Labcorp
Classification: Uncertain significance. Last evaluated: 2022-06-04. Review status: criteria provided, single submitter. Criteria: Invitae Variant Classification Sherloc (09022015). Collection method: clinical testing. Allele origin: germline.
Comment: This sequence change replaces threonine, which is neutral and polar, with alanine, which is neutral and non-polar, at codon 3676 of the USH2A protein (p.Thr3676Ala). This variant is not present in population databases (gnomAD no frequency). This variant has not been reported in the literature in individuals affected with USH2A-related conditions. Algorithms developed to predict the effect of missense changes on protein structure and function are either unavailable or do not agree on the potential impact of this missense change (SIFT: "Deleterious"; PolyPhen-2: "Probably Damaging"; Align-GVGD: "Class C0"). In summary, the available evidence is currently insufficient to determine the role of this variant in disease. Therefore, it has been classified as a Variant of Uncertain Significance.

Blueprint Genetics
Classification: Likely pathogenic for USH2A-related disorders. Last evaluated: 2022-03-14. Review status: criteria provided, single submitter. Criteria: ACMG Guidelines, 2015. Collection method: clinical testing. Allele origin: germline. Affected: yes. Observed: 3 variant alleles.